The following is an entry in ClinVar:

NM_001184880.2(PCDH19):c.3319C>G (p.Arg1107Gly)

Gene: PCDH19 (protocadherin 19; minus strand). Cytogenetic location: Xq22.1.
Variant type: single nucleotide variant.
Coding change: c.3319C>G on transcript NM_001184880.2 (MANE Select); coding-DNA position 3319, C replaced by G.
Protein change: p.Arg1107Gly; replaces arginine 1107 with glycine.
Molecular consequence: missense variant.
Genome position (GRCh38, 1-based): chrX:100,296,405, G>C on the plus strand (C>G on the coding strand, the complement: PCDH19 is on the minus strand). VCF-style: chrX-100296405-G-C. GRCh37 (hg19) VCF-style: chrX-99551403-G-C.
Other names: p.R1060G:CGT>GGT; c.3178C>G, p.Arg1060Gly (NM_001105243.2); c.3175C>G, p.Arg1059Gly (NM_020766.3); short protein forms R1107G, R1060G, R1059G.
Identifiers: ClinVar variation 93675 (VCV000093675.31), dbSNP rs191333060, ClinGen allele CA172956.

ClinVar aggregate classification (germline): Benign/Likely benign. Review status: criteria provided, multiple submitters, no conflicts (2 of 4 stars). 12 submissions from 12 submitters: Benign (3); Likely benign (7). 2 of the submissions do not count toward it. Last evaluated 2026-01-23.

Conditions:
Inborn genetic diseases. Identifiers: MedGen C0950123, MeSH D030342.
Self-limited epilepsy with centrotemporal spikes. Also called: Rolandic epilepsy; Childhood epilepsy with centrotemporal spikes. Identifiers: Orphanet 1945, MedGen C0376532, MONDO:0007295.
Developmental and epileptic encephalopathy, 9 (DEE9). Also called: Early infantile epileptic encephalopathy 9; JUBERG-HELLMAN SYNDROME; EPILEPSY, FEMALE-RESTRICTED, WITH MENTAL RETARDATION; PCDH19-Related X-Linked Female-Limited Epilepsy with Mental Retardation. Identifiers: Orphanet 101039, Orphanet 2076, MedGen C1848137, MONDO:0010246, OMIM 300088. Disease mechanism: loss of function.

Allele frequency attached by ClinVar (database versions not stated): ESP Exome Variant Server 0.00189; 1000 Genomes Project 30x 0.00062; gnomAD 0.00123; TOPMed 0.00111; gnomAD exomes 0.00126; ExAC 0.00145.
gnomAD v4.1: 2,238 of 1,208,998 alleles (0.19%); highest among the groups gnomAD compares: Middle Eastern, 0.83%; 3 homozygotes.

Submissions (12):

Labcorp Genetics (formerly Invitae), Labcorp
Classification: Likely benign for Developmental and epileptic encephalopathy, 9. Last evaluated: 2026-01-23. Review status: criteria provided, single submitter. Criteria: Invitae Variant Classification Sherloc (09022015). Collection method: clinical testing. Allele origin: germline.

Athena Diagnostics
Classification: Benign. Last evaluated: 2025-08-26. Review status: criteria provided, single submitter. Criteria: Athena Diagnostics Criteria. Collection method: clinical testing. Allele origin: unknown.
Comment: The frequency of this variant in the general population is higher than would generally be expected for pathogenic variants in this gene.

Blueprint Genetics
Classification: Likely benign. Last evaluated: 2024-10-14. Review status: criteria provided, single submitter. Criteria: ACMG Guidelines, 2015. Collection method: clinical testing. Allele origin: germline.

MGZ Medical Genetics Center
Classification: Likely benign for Developmental and epileptic encephalopathy, 9. Last evaluated: 2022-07-25. Review status: criteria provided, single submitter. Criteria: ACMG Guidelines, 2015. Collection method: clinical testing. Allele origin: germline. Affected: yes. Observed: 1 variant allele.
Comment: ACMG criteria applied: BS1, BP1, BP4

GeneDx
Classification: Likely benign. Last evaluated: 2021-04-06. Review status: criteria provided, single submitter. Criteria: GeneDx Variant Classification Process June 2021. Collection method: clinical testing. Allele origin: germline. Affected: yes.
Comment: This variant is associated with the following publications: (PMID: 22267240, 19214208)

Mayo Clinic Laboratories, Mayo Clinic
Classification: Benign. Last evaluated: 2018-11-30. Review status: criteria provided, single submitter. Criteria: ACMG Guidelines, 2015. Collection method: clinical testing. Allele origin: germline. Observed: 2 variant alleles.

Ambry Genetics
Classification: Benign for Inborn genetic diseases. Last evaluated: 2017-06-27. Review status: criteria provided, single submitter. Criteria: Ambry Variant Classification Scheme 2023. Collection method: clinical testing. Allele origin: germline.

Center for Pediatric Genomic Medicine, Children's Mercy Hospital and Clinics
Classification: Likely benign. Last evaluated: 2017-02-13. Review status: criteria provided, single submitter. Criteria: ACMG Guidelines, 2015. Collection method: clinical testing. Allele origin: germline.
ClinVar note: Converted during submission from Likely Benign to Likely benign.

Center for Human Genetics, Inc
Classification: Likely benign for Developmental and epileptic encephalopathy, 9. Last evaluated: 2016-11-01. Review status: criteria provided, single submitter. Criteria: ACMG Guidelines, 2015. Collection method: clinical testing. Allele origin: germline. Affected: yes.

Eurofins Ntd Llc (ga)
Classification: Likely benign. Last evaluated: 2015-04-03. Review status: criteria provided, single submitter. Criteria: EGL Classification Definitions 2015. Collection method: clinical testing. Allele origin: germline. Observed: 2 variant alleles, 2 heterozygotes.

Bioinformatics Core, Luxembourg Center for Systems Biomedicine
Classification: Pathogenic for Self-limited epilepsy with centrotemporal spikes. Last evaluated: 2017-01-01. Review status: no assertion criteria provided. Collection method: case-control. Allele origin: germline. Affected: yes. Study: EUROEPINOMICS COGIE. Not counted in ClinVar's aggregate classification.

Genetic Services Laboratory, University of Chicago
Classification: Likely benign for Developmental and epileptic encephalopathy, 9. Last evaluated: 2015-05-22. Review status: no assertion criteria provided. Collection method: clinical testing. Allele origin: germline. Affected: yes. Not counted in ClinVar's aggregate classification.

Literature cited by the submitters: PubMed 19214208 (cited by Athena Diagnostics and Ambry Genetics); PubMed 29358611 (cited by Athena Diagnostics and Bioinformatics Core, Luxembourg Center for Systems Biomedicine); PubMed 36539902 (cited by Athena Diagnostics); PubMed 34082468 (cited by Athena Diagnostics); PubMed 29180823 (cited by Athena Diagnostics); PubMed 19752159 (cited by Ambry Genetics); PubMed 20713952 (cited by Ambry Genetics).